The following is an entry in ClinVar:

NM_004519.4(KCNQ3):c.659A>G (p.Asn220Ser)

Gene: KCNQ3 (potassium voltage-gated channel subfamily Q member 3; minus strand). Cytogenetic location: 8q24.22.
Variant type: single nucleotide variant.
Coding change: c.659A>G on transcript NM_004519.4 (MANE Select); coding-DNA position 659, A replaced by G.
Protein change: p.Asn220Ser; replaces asparagine 220 with serine.
Molecular consequence: missense variant.
Genome position (GRCh38, 1-based): chr8:132,180,275, T>C on the plus strand (A>G on the coding strand, the complement: KCNQ3 is on the minus strand). VCF-style: chr8-132180275-T-C. GRCh37 (hg19) VCF-style: chr8-133192522-T-C.
Other names: c.299A>G, p.Asn100Ser (NM_001204824.2); short protein forms N100S, N220S.
Identifiers: ClinVar variation 1702807 (VCV001702807.2), dbSNP rs1826713495, ClinGen allele CA372290899.

ClinVar aggregate classification (germline): Uncertain significance (1 of 4 stars; one submission).

Allele frequency attached by ClinVar (database versions not stated): gnomAD 0.00001; TOPMed 0.00001.
gnomAD v4.1: 2 of 1,613,980 alleles (0.00012%); highest among the groups gnomAD compares: African/African-American, 0.0013%; no homozygotes.

Submission:

GeneDx
Classification: Uncertain significance. Last evaluated: 2022-02-20. Review status: criteria provided, single submitter. Criteria: GeneDx Variant Classification Process June 2021. Collection method: clinical testing. Allele origin: germline. Affected: yes.
Comment: Not observed at significant frequency in large population cohorts (gnomAD); In silico analysis supports that this missense variant has a deleterious effect on protein structure/function; Has not been previously published as pathogenic or benign to our knowledge